The following is an entry in ClinVar:

ClinVar aggregate classification (germline): Uncertain significance (1 of 4 stars; one submission).

Conditions:
Inflammatory bowel disease. Identifiers: Orphanet 104012, MedGen C0021390, MONDO:0005265.

Allele frequency attached by ClinVar (database versions not stated): gnomAD exomes below 0.00001.

Submission:

Labcorp Genetics (formerly Invitae), Labcorp
Classification: Uncertain significance for Inflammatory bowel disease. Last evaluated: 2021-04-17. Review status: criteria provided, single submitter. Criteria: Invitae Variant Classification Sherloc (09022015). Collection method: clinical testing. Allele origin: germline.
Comment: This sequence change replaces isoleucine with valine at codon 168 of the IL10 protein (p.Ile168Val). The isoleucine residue is moderately conserved and there is a small physicochemical difference between isoleucine and valine. This variant is not present in population databases (ExAC no frequency). This variant has not been reported in the literature in individuals with IL10-related conditions. In summary, the available evidence is currently insufficient to determine the role of this variant in disease. Therefore, it has been classified as a Variant of Uncertain Significance. Algorithms developed to predict the effect of missense changes on protein structure and function (SIFT, PolyPhen-2, Align-GVGD) all suggest that this variant is likely to be tolerated, but these predictions have not been confirmed by published functional studies and their clinical significance is uncertain.

NM_000572.3(IL10):c.502A>G (p.Ile168Val)

Gene: IL10 (interleukin 10; minus strand). Cytogenetic location: 1q32.1.
Variant type: single nucleotide variant.
Coding change: c.502A>G on transcript NM_000572.3 (MANE Select); coding-DNA position 502, A replaced by G.
Protein change: p.Ile168Val; replaces isoleucine 168 with valine.
Molecular consequence: missense variant. On other transcripts: non-coding transcript variant (2).
Genome position (GRCh38, 1-based): chr1:206,768,671, T>C on the plus strand (A>G on the coding strand, the complement: IL10 is on the minus strand). VCF-style: chr1-206768671-T-C. GRCh37 (hg19) VCF-style: chr1-206942016-T-C.
Other names: c.247A>G, p.Ile83Val (NM_001382624.1); short protein forms I83V, I168V.
Identifiers: ClinVar variation 1422156 (VCV001422156.8), dbSNP rs2102436707, ClinGen allele CA344481600.
Genomic context (GRCh38, chr1:206,768,671, plus strand): 5'-TCTATAGAGTCGCCACCCTGATGTCTCAGTTTCGTATCTTCATTGTCATGTAGGCTTCTA[T>C]GTAGTTGATGAAGATGTCAAACTCACTCATGGCTTTGTAGATGCCTTTCTCTTGGAGCTG-3'
Protein context (NP_000563.1, residues 158-178): MSEFDIFINY[Ile168Val]EAYMTMKIRN